The following is an entry in ClinVar:

NM_001376256.1(CRYM):c.95C>T (p.Ala32Val)

Genes: CRYM (crystallin mu; minus strand), LOC130058620 (ATAC-STARR-seq lymphoblastoid active region 10553; plus strand). Cytogenetic location: 16p12.2.
Variant type: single nucleotide variant.
Coding change: c.95C>T on transcript NM_001376256.1 (MANE Select); coding-DNA position 95, C replaced by T.
Protein change: p.Ala32Val; replaces alanine 32 with valine.
Molecular consequence: missense variant.
Genome position (GRCh38, 1-based): chr16:21,278,157, G>A on the plus strand (C>T on the coding strand, the complement: CRYM is on the minus strand). VCF-style: chr16-21278157-G-A. GRCh37 (hg19) VCF-style: chr16-21289478-G-A.
Other names: c.95C>T, p.Ala32Val (NM_001888.5); short protein forms A32V.
Identifiers: ClinVar variation 4986276 (VCV004986276.1).

ClinVar aggregate classification (germline): Uncertain significance (1 of 4 stars; one submission).

Conditions:
CRYM-related disorder. Also called: CRYM-related condition.

gnomAD v4.1: 6 of 1,553,004 alleles (0.00039%); highest among the groups gnomAD compares: African/African-American, 0.0055%; no homozygotes.

Submission:

PreventionGenetics, part of Exact Sciences
Classification: Uncertain significance for CRYM-related condition. Last evaluated: 2026-03-12. Review status: criteria provided, single submitter. Criteria: ACMG Guidelines, 2015. Collection method: clinical testing. Allele origin: germline.
Comment: The CRYM c.95C>T variant is predicted to result in the amino acid substitution p.Ala32Val. To our knowledge, this variant has not been reported in the literature. This variant is reported in 0.0057% of alleles in individuals of African descent in gnomAD. At this time, the clinical significance of this variant is uncertain due to the absence of conclusive functional and genetic evidence.